The following is an entry in ClinVar:

NM_021619.3(PRDM12):c.400A>C (p.Asn134His)

Genes: PRDM12 (PR/SET domain 12; plus strand), LOC126860775 (CDK7 strongly-dependent group 2 enhancer GRCh37_chr9:133541982-133543181; plus strand). Cytogenetic location: 9q34.12.
Variant type: single nucleotide variant.
Coding change: c.400A>C on transcript NM_021619.3 (MANE Select); coding-DNA position 400, A replaced by C.
Protein change: p.Asn134His; replaces asparagine 134 with histidine.
Molecular consequence: missense variant.
Genome position (GRCh38, 1-based): chr9:130,666,784, A>C. VCF-style: chr9-130666784-A-C. GRCh37 (hg19) VCF-style: chr9-133542171-A-C.
Other names: short protein forms N134H.
Identifiers: ClinVar variation 2044284 (VCV002044284.2), dbSNP rs757952444, ClinGen allele CA5284512.

ClinVar aggregate classification (germline): Uncertain significance (1 of 4 stars; one submission).

Conditions:
Congenital insensitivity to pain-hypohidrosis syndrome. Also called: HSAN VIII; Neuropathy, hereditary sensory and autonomic, type VIII. Identifiers: Orphanet 478664, MedGen C4225308, MONDO:0014662, OMIM 616488.

Allele frequency attached by ClinVar (database versions not stated): gnomAD exomes below 0.00001; ExAC 0.00001; TOPMed 0.00001; gnomAD 0.00002.
gnomAD v4.1: 10 of 1,610,276 alleles (0.00062%); highest among the groups gnomAD compares: Admixed American, 0.0067%; no homozygotes.

Submission:

Labcorp Genetics (formerly Invitae), Labcorp
Classification: Uncertain significance for Congenital insensitivity to pain-hypohidrosis syndrome. Last evaluated: 2023-11-15. Review status: criteria provided, single submitter. Criteria: Invitae Variant Classification Sherloc (09022015). Collection method: clinical testing. Allele origin: germline.
Comment: This sequence change replaces asparagine, which is neutral and polar, with histidine, which is basic and polar, at codon 134 of the PRDM12 protein (p.Asn134His). This variant is present in population databases (rs757952444, gnomAD 0.0009%). This variant has not been reported in the literature in individuals affected with PRDM12-related conditions. ClinVar contains an entry for this variant (Variation ID: 2044284). Advanced modeling of protein sequence and biophysical properties (such as structural, functional, and spatial information, amino acid conservation, physicochemical variation, residue mobility, and thermodynamic stability) performed at Invitae indicates that this missense variant is not expected to disrupt PRDM12 protein function with a negative predictive value of 80%. In summary, the available evidence is currently insufficient to determine the role of this variant in disease. Therefore, it has been classified as a Variant of Uncertain Significance.